The following is an entry in ClinVar:

NM_015404.4(WHRN):c.255G>A (p.Pro85=)

Gene: WHRN (whirlin; minus strand). Cytogenetic location: 9q32.
Variant type: single nucleotide variant.
Coding change: c.255G>A on transcript NM_015404.4 (MANE Select); coding-DNA position 255, G replaced by A.
Protein change: p.Pro85=; no amino-acid change (proline 85 retained).
Molecular consequence: synonymous variant.
Genome position (GRCh38, 1-based): chr9:114,504,547, C>T on the plus strand (G>A on the coding strand, the complement: WHRN is on the minus strand). VCF-style: chr9-114504547-C-T. GRCh37 (hg19) VCF-style: chr9-117266827-C-T.
Other names: c.255G>A, p.Pro85= (NM_001173425.2).
Identifiers: ClinVar variation 789302 (VCV000789302.9), dbSNP rs372046806, ClinGen allele CA5206331.

ClinVar aggregate classification (germline): Likely benign. Review status: criteria provided, single submitter (1 of 4 stars). 2 submissions from 2 submitters: Likely benign (1). 1 of the submissions does not count toward it. Last evaluated 2026-01-09.

Conditions:
WHRN-related disorder. Also called: WHRN-related condition.

Allele frequency attached by ClinVar (database versions not stated): gnomAD 0.00005 and 0.00006; TOPMed 0.00006; ESP Exome Variant Server 0.00008.
gnomAD v4.1: 52 of 1,610,876 alleles (0.0032%); highest among the groups gnomAD compares: African/African-American, 0.004%; no homozygotes.

Submissions (2):

Labcorp Genetics (formerly Invitae), Labcorp
Classification: Likely benign. Last evaluated: 2026-01-09. Review status: criteria provided, single submitter. Criteria: Invitae Variant Classification Sherloc (09022015). Collection method: clinical testing. Allele origin: germline.

PreventionGenetics, part of Exact Sciences
Classification: Likely benign for WHRN-related condition. Last evaluated: 2019-08-12. Review status: no assertion criteria provided. Collection method: clinical testing. Allele origin: germline. Not counted in ClinVar's aggregate classification.
Comment: This variant is classified as likely benign based on ACMG/AMP sequence variant interpretation guidelines (Richards et al. 2015 PMID: 25741868, with internal and published modifications).